The following is an entry in ClinVar:

ClinVar aggregate classification (germline): Likely benign (1 of 4 stars; one submission).

Conditions:
RIGI-related disorder. Also called: RIGI-related condition.

gnomAD v4.1: 112 of 1,610,782 alleles (0.007%); highest among the groups gnomAD compares: Admixed American, 0.11%; no homozygotes.

Submission:

PreventionGenetics, part of Exact Sciences
Classification: Likely benign for RIGI-related condition. Last evaluated: 2026-05-22. Review status: criteria provided, single submitter. Criteria: ACMG Guidelines, 2015. Collection method: clinical testing. Allele origin: germline.
Comment: This variant is classified as likely benign based on ACMG/AMP sequence variant interpretation guidelines (Richards et al. 2015 PMID: 25741868, with internal and published modifications).

NM_014314.4(RIGI):c.-2G>A

Genes: RIGI (RNA sensor RIG-I; minus strand), LOC130001628 (ATAC-STARR-seq lymphoblastoid active region 28262; plus strand). Cytogenetic location: 9p21.1.
Variant type: single nucleotide variant.
Coding change: c.-2G>A on transcript NM_014314.4 (MANE Select); 2 bases upstream of the start codon, G replaced by A.
Molecular consequence: 5 prime UTR variant.
Genome position (GRCh38, 1-based): chr9:32,526,168, C>T on the plus strand (G>A on the coding strand, the complement: RIGI is on the minus strand). VCF-style: chr9-32526168-C-T. GRCh37 (hg19) VCF-style: chr9-32526166-C-T.
Other names: c.-2G>A (NM_001385907.1, NM_001385909.1, NM_001385913.1); c.-456G>A (NM_001385910.1, NM_001385914.1); c.-463G>A (NM_001385912.1).
Identifiers: ClinVar variation 4985101 (VCV004985101.1).